The following is an entry in ClinVar:

ClinVar aggregate classification (germline): Pathogenic/Likely pathogenic. Review status: criteria provided, multiple submitters, no conflicts (2 of 4 stars). 2 submissions from 2 submitters: Pathogenic (1); Likely pathogenic (1). Last evaluated 2023-05-11.

Conditions:
PCLO-related disorder. Also called: PCLO-related condition.

Submissions (2):

PreventionGenetics, part of Exact Sciences
Classification: Likely pathogenic for PCLO-related condition. Last evaluated: 2023-05-11. Review status: criteria provided, single submitter. Criteria: ACMG Guidelines, 2015. Collection method: clinical testing. Allele origin: germline.
Comment: The PCLO c.1839_1840delinsAA variant is predicted to result in premature protein termination (p.Cys613*). To our knowledge, this variant has not been reported in the literature or in a large population database, indicating this variant is rare. Nonsense variants in PCLO are expected to be pathogenic. This variant is interpreted as likely pathogenic.

Labcorp Genetics (formerly Invitae), Labcorp
Classification: Pathogenic. Last evaluated: 2023-01-05. Review status: criteria provided, single submitter. Criteria: Invitae Variant Classification Sherloc (09022015). Collection method: clinical testing. Allele origin: germline.
Comment: For these reasons, this variant has been classified as Pathogenic. This variant has not been reported in the literature in individuals affected with PCLO-related conditions. Information on the frequency of this variant in the gnomAD database is not available, as this variant may be reported differently in the database. This sequence change creates a premature translational stop signal (p.Cys613*) in the PCLO gene. It is expected to result in an absent or disrupted protein product. Loss-of-function variants in PCLO are known to be pathogenic (PMID: 25832664, 30287594).

Literature cited by the submitters: PubMed 25832664 (cited by Labcorp Genetics (formerly Invitae), Labcorp); PubMed 30287594 (cited by Labcorp Genetics (formerly Invitae), Labcorp).

NM_033026.6(PCLO):c.1839_1840delinsAA (p.Cys613_Gln614delinsTer)

Gene: PCLO (piccolo presynaptic cytomatrix protein; minus strand). Cytogenetic location: 7q21.11.
Variant type: Indel.
Coding change: c.1839_1840delinsAA on transcript NM_033026.6 (MANE Select); coding-DNA positions 1839 to 1840, TC replaced by AA.
Protein change: p.Cys613_Gln614delinsTer.
Molecular consequence: nonsense.
Genome position (GRCh38, 1-based): chr7:83,154,801-83,154,802, GA replaced by TT on the plus strand (TC replaced by AA on the coding strand, the reverse complement: PCLO is on the minus strand). VCF-style: chr7-83154801-GA-TT. GRCh37 (hg19) VCF-style: chr7-82784117-GA-TT.
Other names: c.1839_1840delinsAA, p.Cys613_Gln614delinsTer (NM_014510.3).
Identifiers: ClinVar variation 2633269 (VCV002633269.4), dbSNP rs2484897383, ClinGen allele CA2695199550.